The following is an entry in ClinVar:

NM_000440.3(PDE6A):c.799C>T (p.Arg267Cys)

Gene: PDE6A (phosphodiesterase 6A; minus strand). Cytogenetic location: 5q32.
Variant type: single nucleotide variant.
Coding change: c.799C>T on transcript NM_000440.3 (MANE Select); coding-DNA position 799, C replaced by T.
Protein change: p.Arg267Cys; replaces arginine 267 with cysteine.
Molecular consequence: missense variant.
Genome position (GRCh38, 1-based): chr5:149,931,087, G>A on the plus strand (C>T on the coding strand, the complement: PDE6A is on the minus strand). VCF-style: chr5-149931087-G-A. GRCh37 (hg19) VCF-style: chr5-149310650-G-A.
Other names: short protein forms R267C.
Identifiers: ClinVar variation 969435 (VCV000969435.11), dbSNP rs368516694, ClinGen allele CA3504941.

ClinVar aggregate classification (germline): Uncertain significance. Review status: criteria provided, multiple submitters, no conflicts (2 of 4 stars). 3 submissions from 3 submitters: Uncertain significance (3). Last evaluated 2025-11-07.

Conditions:
Inborn genetic diseases. Identifiers: MedGen C0950123, MeSH D030342.
PDE6A-related disorder. Also called: PDE6A-related condition.

Allele frequency attached by ClinVar (database versions not stated): gnomAD exomes 0.00001 and 0.00002; ExAC 0.00002; gnomAD 0.00004; TOPMed 0.00006; ESP Exome Variant Server 0.00008; 1000 Genomes Project 30x 0.00016; 1000 Genomes Project 0.00020.
gnomAD v4.1: 37 of 1,613,836 alleles (0.0023%); highest among the groups gnomAD compares: Middle Eastern, 0.016%; no homozygotes.

Submissions (3):

PreventionGenetics, part of Exact Sciences
Classification: Uncertain significance for PDE6A-related condition. Last evaluated: 2025-11-07. Review status: criteria provided, single submitter. Criteria: ACMG Guidelines, 2015. Collection method: clinical testing. Allele origin: germline.
Comment: The PDE6A c.799C>T variant is predicted to result in the amino acid substitution p.Arg267Cys. To our knowledge, this variant has not been reported in the literature. This variant is present in 0.0056% of alleles in individuals of Latino descent in gnomAD. At this time, the clinical significance of this variant is uncertain due to the absence of conclusive functional and genetic evidence.

Labcorp Genetics (formerly Invitae), Labcorp
Classification: Uncertain significance. Last evaluated: 2024-12-02. Review status: criteria provided, single submitter. Criteria: Invitae Variant Classification Sherloc (09022015). Collection method: clinical testing. Allele origin: germline.
Comment: This sequence change replaces arginine, which is basic and polar, with cysteine, which is neutral and slightly polar, at codon 267 of the PDE6A protein (p.Arg267Cys). The frequency data for this variant in the population databases is considered unreliable, as metrics indicate poor data quality at this position in the gnomAD database. This variant has not been reported in the literature in individuals affected with PDE6A-related conditions. ClinVar contains an entry for this variant (Variation ID: 969435). Invitae Evidence Modeling of protein sequence and biophysical properties (such as structural, functional, and spatial information, amino acid conservation, physicochemical variation, residue mobility, and thermodynamic stability) has been performed for this missense variant. However, the output from this modeling did not meet the statistical confidence thresholds required to predict the impact of this variant on PDE6A protein function. In summary, the available evidence is currently insufficient to determine the role of this variant in disease. Therefore, it has been classified as a Variant of Uncertain Significance.

Ambry Genetics
Classification: Uncertain significance for Inborn genetic diseases. Last evaluated: 2024-02-13. Review status: criteria provided, single submitter. Criteria: Ambry Variant Classification Scheme 2023. Collection method: clinical testing. Allele origin: germline.